The following is an entry in ClinVar:

NM_000388.4(CASR):c.3121C>T (p.Arg1041Trp)

Gene: CASR (calcium sensing receptor; plus strand). Cytogenetic location: 3q21.1.
Variant type: single nucleotide variant.
Coding change: c.3121C>T on transcript NM_000388.4 (MANE Select); coding-DNA position 3121, C replaced by T.
Protein change: p.Arg1041Trp; replaces arginine 1041 with tryptophan.
Molecular consequence: missense variant.
Genome position (GRCh38, 1-based): chr3:122,285,075, C>T. VCF-style: chr3-122285075-C-T. GRCh37 (hg19) VCF-style: chr3-122003922-C-T.
Other names: c.3151C>T, p.Arg1051Trp (NM_001178065.2); c.3151C>T (NM_001178065.1); short protein forms R1041W, R1051W.
Identifiers: ClinVar variation 161466 (VCV000161466.15), dbSNP rs193921082, ClinGen allele CA174089.

ClinVar aggregate classification (germline): Conflicting classifications of pathogenicity. Review status: criteria provided, conflicting classifications (1 of 4 stars). 4 submissions from 4 submitters: Uncertain significance (2); Likely benign (1). 1 of the submissions does not count toward it. Last evaluated 2026-05-21.

Conditions:
Nephrolithiasis/nephrocalcinosis. Identifiers: MedGen CN580796.
CASR-related disorder. Also called: CASR-related condition.
Familial hypocalciuric hypercalcemia (FHH). Also called: Familial benign hypercalcemia. Identifiers: Orphanet 405, MedGen C1809471, MONDO:0018458.
Autosomal dominant hypocalcemia 1 (HYPOC1). Also called: HYPOCALCEMIA, FAMILIAL. Identifiers: MedGen C3715128, MONDO:0011013, OMIM 601198.
Prostate cancer. Also called: Malignant tumor of prostate. Identifiers: Orphanet 1331, MedGen C0376358, MONDO:0008315, HP:0012125.

Allele frequency attached by ClinVar (database versions not stated): TOPMed 0.00002; gnomAD 0.00001; ExAC 0.00002; gnomAD exomes below 0.00001 and 0.00002.
gnomAD v4.1: 6 of 1,614,090 alleles (0.00037%); highest among the groups gnomAD compares: Non-Finnish European, 0.00051%; no homozygotes.

Submissions (4):

PreventionGenetics, part of Exact Sciences
Classification: Uncertain significance for CASR-related condition. Last evaluated: 2026-05-21. Review status: criteria provided, single submitter. Criteria: ACMG Guidelines, 2015. Collection method: clinical testing. Allele origin: germline.
Comment: The CASR c.3151C>T variant is predicted to result in the amino acid substitution p.Arg1051Trp. To our knowledge, this variant has not been reported in the literature. This variant is reported in 0.0033% of alleles in individuals of South Asian descent in gnomAD. At this time, the clinical significance of this variant is uncertain due to the absence of conclusive functional and genetic evidence.

Labcorp Genetics (formerly Invitae), Labcorp
Classification: Likely benign for Familial hypocalciuric hypercalcemia; Autosomal dominant hypocalcemia 1. Last evaluated: 2025-06-16. Review status: criteria provided, single submitter. Criteria: Invitae Variant Classification Sherloc (09022015). Collection method: clinical testing. Allele origin: germline.

Ambry Genetics
Classification: Uncertain significance for Nephrolithiasis/nephrocalcinosis. Last evaluated: 2022-10-20. Review status: criteria provided, single submitter. Criteria: Ambry Variant Classification Scheme 2023. Collection method: clinical testing. Allele origin: germline.
Comment: The p.R1041W variant (also known as c.3121C>T), located in coding exon 6 of the CASR gene, results from a C to T substitution at nucleotide position 3121. The arginine at codon 1041 is replaced by tryptophan, an amino acid with dissimilar properties. This amino acid position is poorly conserved in available vertebrate species. In addition, this alteration is predicted to be tolerated by in silico analysis. Since supporting evidence is limited at this time, the clinical significance of this alteration remains unclear.

Science for Life laboratory,  Karolinska Institutet
Classification: Uncertain significance for Malignant tumor of prostate. Review status: no assertion criteria provided. Collection method: not provided. Allele origin: somatic. Not counted in ClinVar's aggregate classification.
Comment: TumorID:SWE-90B
ClinVar note: Converted during submission from Unknown to Uncertain significance.